The following is an entry in ClinVar:

ClinVar aggregate classification (germline): Uncertain significance. Review status: criteria provided, multiple submitters, no conflicts (2 of 4 stars). 2 submissions from 2 submitters: Uncertain significance (2). Last evaluated 2024-10-03.

Conditions:
Inborn genetic diseases. Identifiers: MedGen C0950123, MeSH D030342.
Left ventricular noncompaction 8 (LVNC8). Identifiers: Orphanet 154, Orphanet 54260, MedGen C3809288, MONDO:0014152, OMIM 615373.

Allele frequency attached by ClinVar (database versions not stated): gnomAD exomes below 0.00001; ExAC 0.00001; gnomAD 0.00001; TOPMed 0.00001.
gnomAD v4.1: 6 of 1,613,596 alleles (0.00037%); highest among the groups gnomAD compares: Non-Finnish European, 0.00051%; no homozygotes.

Submissions (2):

Ambry Genetics
Classification: Uncertain significance for Inborn genetic diseases. Last evaluated: 2024-10-03. Review status: criteria provided, single submitter. Criteria: Ambry Variant Classification Scheme 2023. Collection method: clinical testing. Allele origin: germline.

Labcorp Genetics (formerly Invitae), Labcorp
Classification: Uncertain significance for Left ventricular noncompaction 8. Last evaluated: 2023-07-27. Review status: criteria provided, single submitter. Criteria: Invitae Variant Classification Sherloc (09022015). Collection method: clinical testing. Allele origin: germline.
Comment: In summary, the available evidence is currently insufficient to determine the role of this variant in disease. Therefore, it has been classified as a Variant of Uncertain Significance. An algorithm developed to predict the effect of missense changes on protein structure and function (PolyPhen-2) suggests that this variant is likely to be disruptive. ClinVar contains an entry for this variant (Variation ID: 852627). This variant has not been reported in the literature in individuals affected with PRDM16-related conditions. This variant is present in population databases (rs773722995, gnomAD 0.002%). This sequence change replaces arginine, which is basic and polar, with threonine, which is neutral and polar, at codon 594 of the PRDM16 protein (p.Arg594Thr).

NM_022114.4(PRDM16):c.1781G>C (p.Arg594Thr)

Gene: PRDM16 (PR/SET domain 16; plus strand). Cytogenetic location: 1p36.32.
Variant type: single nucleotide variant.
Coding change: c.1781G>C on transcript NM_022114.4 (MANE Select); coding-DNA position 1781, G replaced by C.
Protein change: p.Arg594Thr; replaces arginine 594 with threonine.
Molecular consequence: missense variant.
Genome position (GRCh38, 1-based): chr1:3,411,978, G>C. VCF-style: chr1-3411978-G-C. GRCh37 (hg19) VCF-style: chr1-3328542-G-C.
Other names: c.1781G>C, p.Arg594Thr (NM_199454.3); short protein forms R594T.
Identifiers: ClinVar variation 852627 (VCV000852627.11), dbSNP rs773722995, ClinGen allele CA544281.